The following is an entry in ClinVar:

ClinVar aggregate classification (germline): Uncertain significance (1 of 4 stars; one submission).

Allele frequency attached by ClinVar (database versions not stated): gnomAD exomes below 0.00001; TOPMed below 0.00001; ExAC 0.00001.
gnomAD v4.1: 2 of 1,611,874 alleles (0.00012%); highest among the groups gnomAD compares: Admixed American, 0.0017%; no homozygotes.

Submission:

Labcorp Genetics (formerly Invitae), Labcorp
Classification: Uncertain significance. Last evaluated: 2022-10-04. Review status: criteria provided, single submitter. Criteria: Invitae Variant Classification Sherloc (09022015). Collection method: clinical testing. Allele origin: germline.
Comment: This sequence change replaces histidine, which is basic and polar, with tyrosine, which is neutral and polar, at codon 270 of the RTTN protein (p.His270Tyr). This variant is present in population databases (rs747963368, gnomAD 0.003%). This variant has not been reported in the literature in individuals affected with RTTN-related conditions. Advanced modeling of protein sequence and biophysical properties (such as structural, functional, and spatial information, amino acid conservation, physicochemical variation, residue mobility, and thermodynamic stability) performed at Invitae indicates that this missense variant is not expected to disrupt RTTN protein function. In summary, the available evidence is currently insufficient to determine the role of this variant in disease. Therefore, it has been classified as a Variant of Uncertain Significance.

NM_173630.4(RTTN):c.808C>T (p.His270Tyr)

Gene: RTTN (rotatin; minus strand). Cytogenetic location: 18q22.2.
Variant type: single nucleotide variant.
Coding change: c.808C>T on transcript NM_173630.4 (MANE Select); coding-DNA position 808, C replaced by T.
Protein change: p.His270Tyr; replaces histidine 270 with tyrosine.
Molecular consequence: missense variant. On other transcripts: 5 prime UTR variant (1).
Genome position (GRCh38, 1-based): chr18:70,196,534, G>A on the plus strand (C>T on the coding strand, the complement: RTTN is on the minus strand). VCF-style: chr18-70196534-G-A. GRCh37 (hg19) VCF-style: chr18-67863770-G-A.
Other names: c.-1746C>T (NM_001318520.2); short protein forms H270Y.
Identifiers: ClinVar variation 2019156 (VCV002019156.1), dbSNP rs747963368, ClinGen allele CA8996360.
Genomic context (GRCh38, chr18:70,196,534, plus strand): 5'-GGCTAATGAACAGATAAAAATAAATACCGTGTTTATTGGAGAAAAAACCTGGATCTCGGT[G>A]AAAGTTAAGTCTGTTTCTTAAATACATGCACAGCTGCTGCAGGCAGGACACCGACTGTAA-3'
Protein context (NP_775901.3, residues 260-280): CMYLRNRLNF[His270Tyr]RDPGFFSNKH